The following is an entry in ClinVar:

NM_000059.4(BRCA2):c.8881G>A (p.Gly2961Ser)

Gene: BRCA2 (BRCA2 DNA repair associated; plus strand). Cytogenetic location: 13q13.1.
Variant type: single nucleotide variant.
Coding change: c.8881G>A on transcript NM_000059.4 (MANE Select); coding-DNA position 8881, G replaced by A.
Protein change: p.Gly2961Ser; replaces glycine 2961 with serine.
Molecular consequence: missense variant.
Genome position (GRCh38, 1-based): chr13:32,379,443, G>A. VCF-style: chr13-32379443-G-A. GRCh37 (hg19) VCF-style: chr13-32953580-G-A.
Other names: short protein forms G2961S.
Identifiers: ClinVar variation 236923 (VCV000236923.25), dbSNP rs878853614, ClinGen allele CA10583147.

ClinVar aggregate classification (germline): Conflicting classifications of pathogenicity. Review status: criteria provided, conflicting classifications (1 of 4 stars). 8 submissions from 8 submitters: Uncertain significance (6); Benign (1). 1 of the submissions does not count toward it. Last evaluated 2025-05-22.

Conditions:
Hereditary cancer-predisposing syndrome. Also called: Tumor predisposition; Hereditary Cancer Syndrome; Hereditary neoplastic syndrome; Neoplastic Syndromes, Hereditary. Identifiers: Orphanet 140162, MedGen C0027672, MeSH D009386, MONDO:0015356.
Familial cancer of breast. Also called: hereditary breast carcinoma; BREAST CANCER, FAMILIAL; Hereditary breast cancer. Identifiers: Orphanet 227535, MedGen C0346153, MONDO:0016419, OMIM 114480. Disease mechanism: loss of function.
Breast-ovarian cancer, familial, susceptibility to, 2 (BROVCA2). Also called: BRCA2 Hereditary Breast and Ovarian Cancer. Identifiers: Orphanet 145, MedGen C2675520, MONDO:0012933, OMIM 612555. Disease mechanism: loss of function.
Hereditary breast ovarian cancer syndrome. Also called: Hereditary breast and ovarian cancer; Breast and ovarian cancer; BRCA1- and BRCA2-Associated Hereditary Breast and Ovarian Cancer; Hereditary breast and ovarian cancer syndrome; Hereditary breast and ovarian cancer syndrome (HBOC); Hereditary breast and/or ovarian cancer syndrome. Identifiers: Orphanet 145, MedGen C0677776, MeSH D061325, MONDO:0003582. Disease mechanism: loss of function.
Breast carcinoma. Also called: Carcinoma of breast. Identifiers: MedGen C0678222, MONDO:0004989, HP:0003002.

Allele frequency attached by ClinVar (database versions not stated): gnomAD exomes below 0.00001; TOPMed below 0.00001.
gnomAD v4.1: 5 of 1,613,516 alleles (0.00031%); highest among the groups gnomAD compares: Non-Finnish European, 0.00034%; no homozygotes.

Submissions (8):

Ambry Genetics
Classification: Benign for Hereditary cancer-predisposing syndrome. Last evaluated: 2025-05-22. Review status: criteria provided, single submitter. Criteria: Ambry Variant Classification Scheme 2023. Collection method: clinical testing. Allele origin: germline.

Labcorp Genetics (formerly Invitae), Labcorp
Classification: Uncertain significance for Hereditary breast ovarian cancer syndrome. Last evaluated: 2024-10-06. Review status: criteria provided, single submitter. Criteria: Invitae Variant Classification Sherloc (09022015). Collection method: clinical testing. Allele origin: germline.
Comment: This sequence change replaces glycine, which is neutral and non-polar, with serine, which is neutral and polar, at codon 2961 of the BRCA2 protein (p.Gly2961Ser). This variant is not present in population databases (gnomAD no frequency). This missense change has been observed in individual(s) with breast cancer (PMID: 21520333, 31706072). ClinVar contains an entry for this variant (Variation ID: 236923). Invitae Evidence Modeling of protein sequence and biophysical properties (such as structural, functional, and spatial information, amino acid conservation, physicochemical variation, residue mobility, and thermodynamic stability) indicates that this missense variant is not expected to disrupt BRCA2 protein function with a negative predictive value of 95%. In summary, the available evidence is currently insufficient to determine the role of this variant in disease. Therefore, it has been classified as a Variant of Uncertain Significance.

Baylor Genetics
Classification: Uncertain significance for Familial cancer of breast. Last evaluated: 2023-11-30. Review status: criteria provided, single submitter. Criteria: ACMG Guidelines, 2015. Collection method: clinical testing. Allele origin: unknown.

Color Diagnostics, LLC DBA Color Health
Classification: Uncertain significance for Hereditary cancer-predisposing syndrome. Last evaluated: 2023-05-09. Review status: criteria provided, single submitter. Criteria: ACMG Guidelines, 2015. Collection method: clinical testing. Allele origin: germline.
Comment: This missense variant replaces glycine with serine at codon 2961 of the BRCA2 protein. Computational prediction suggests that this variant may not impact protein structure and function (internally defined REVEL score threshold <= 0.5, PMID: 27666373). To our knowledge, functional studies have not been reported for this variant. This variant has been reported in an individual affected with breast cancer (PMID: 31706072) and an unaffected individual (PMID: 33471991; Leiden Open Variation Database DB-ID BRCA2_001113). This variant has not been identified in the general population by the Genome Aggregation Database (gnomAD). The available evidence is insufficient to determine the role of this variant in disease conclusively. Therefore, this variant is classified as a Variant of Uncertain Significance.

Department of Pathology and Laboratory Medicine, Sinai Health System
Classification: Uncertain significance for Familial cancer of breast; Breast-ovarian cancer, familial, susceptibility to, 2. Last evaluated: 2021-12-13. Review status: criteria provided, single submitter. Criteria: ACMG Guidelines, 2015. Collection method: clinical testing. Allele origin: germline. Affected: yes.

GeneDx
Classification: Uncertain significance. Last evaluated: 2019-11-18. Review status: criteria provided, single submitter. Criteria: GeneDx Variant Classification Process June 2021. Collection method: clinical testing. Allele origin: germline. Affected: yes.
Comment: Not observed in large population cohorts (Lek 2016); In silico analysis, which includes protein predictors and evolutionary conservation, supports that this variant does not alter protein structure/function; Observed in individuals with breast cancer (Cecener 2019); Also known as 9109G>A; This variant is associated with the following publications: (PMID: 31706072, 29310832)

Women's Health and Genetics/Laboratory Corporation of America, LabCorp
Classification: Uncertain significance. Last evaluated: 2016-11-07. Review status: criteria provided, single submitter. Criteria: LabCorp Variant Classification Summary - May 2015. Collection method: clinical testing. Allele origin: germline.
Comment: Variant summary: The c.8881G>A (p.Gly2961Ser) in BRCA2 gene is a missense change that involves a non-conserved nucleotide and 3/4 in silico tools predict benign outcome. The variant is located within the tower domain, however no functional studies confirming the impact of the variant on the protein function were published at the time of evaluation. The variant is absent from the large control population dataset of ExAC. The variant has not, to our knowledge, been reported in affected individuals in the literature, but was cited as VUS by several reputable databases/clinical laboratories. Taking together, the variant was classified as VUS until more data become available.

Medical Genetics Laboratory, Umraniye Training and Research Hospital, University of Health Sciences
Classification: Uncertain significance for Breast carcinoma. Last evaluated: 2021-08-16. Review status: no assertion criteria provided. Collection method: clinical testing. Allele origin: germline. Affected: yes. Observed: 1 variant allele, 1 heterozygote. Not counted in ClinVar's aggregate classification.
Comment: Invasive Ductal Carcinoma

Literature cited by the submitters: PubMed 29310832 (cited by Ambry Genetics and Department of Pathology and Laboratory Medicine, Sinai Health System); PubMed 21520333 (cited by Labcorp Genetics (formerly Invitae), Labcorp); PubMed 31706072 (cited by Labcorp Genetics (formerly Invitae), Labcorp and Color Diagnostics, LLC DBA Color Health); PubMed 33471991 (cited by Color Diagnostics, LLC DBA Color Health).